The following is an entry in ClinVar:

NM_000540.3(RYR1):c.7755del (p.Val2586fs)

Gene: RYR1 (ryanodine receptor 1; plus strand). Cytogenetic location: 19q13.2.
Variant type: Deletion.
Coding change: c.7755del on transcript NM_000540.3 (MANE Select); coding-DNA position 7755, one base deleted (C; older notation c.7755delC).
Protein change: p.Val2586fs; shifts the reading frame from valine 2586.
Molecular consequence: frameshift variant.
Genome position (GRCh38, 1-based): chr19:38,502,647, C deleted; the last of 2 consecutive C bases (chr19:38,502,646-38,502,647); deleting either gives the same sequence. VCF-style (leftmost placement, unchanged base first): chr19-38502645-AC-A. GRCh37 (hg19) VCF-style: chr19-38993285-AC-A.
Other names: c.7755del, p.Val2586fs (NM_001042723.2); short protein forms V2586fs.
Identifiers: ClinVar variation 4756302 (VCV004756302.1).

ClinVar aggregate classification (germline): Uncertain significance (1 of 4 stars; one submission).

Conditions:
Malignant hyperthermia, susceptibility to, 1 (MHS1). Also called: RYR1-Related Malignant Hyperthermia Susceptibility; Malignant hyperthermia suceptibility 1; Anesthesia related hyperthermia; Malignant hyperpyrexia; Fulminating hyperpyrexia; Pharmacogenic myopathy. Identifiers: Orphanet 423, MedGen C2930980, MONDO:0007783, OMIM 145600.

Submission:

Color Diagnostics, LLC DBA Color Health
Classification: Uncertain significance for Malignant hyperthermia, susceptibility to, 1. Last evaluated: 2025-08-19. Review status: criteria provided, single submitter. Criteria: ACMG Guidelines, 2015. Collection method: clinical testing. Allele origin: germline.
Comment: This variant deletes 1 nucleotide in exon 48 of the RYR1 gene, creating a frameshift and premature translation stop signal. This variant is expected to result in an absent or non-functional protein product. To our knowledge, this variant has not been reported in individuals affected with RYR1-related disorders in the literature. This variant has not been identified in the general population by the Genome Aggregation Database (gnomAD). Loss of RYR1 gene function due to haploinsufficiency is not an established disease mechanism for autosomal dominant malignant hyperthermia susceptibility. Therefore, this variant is classified as a Variant of Uncertain Significance.